The following is an entry in ClinVar:

NM_005995.5(TBX10):c.756G>C (p.Glu252Asp)

Gene: TBX10 (T-box transcription factor 10; minus strand). Cytogenetic location: 11q13.2.
Variant type: single nucleotide variant.
Coding change: c.756G>C on transcript NM_005995.5 (MANE Select); coding-DNA position 756, G replaced by C.
Protein change: p.Glu252Asp; replaces glutamic acid 252 with aspartic acid.
Molecular consequence: missense variant.
Genome position (GRCh38, 1-based): chr11:67,632,620, C>G on the plus strand (G>C on the coding strand, the complement: TBX10 is on the minus strand). VCF-style: chr11-67632620-C-G. GRCh37 (hg19) VCF-style: chr11-67400091-C-G.
Other names: short protein forms E252D.
Identifiers: ClinVar variation 4181209 (VCV004181209.2).
Genomic context (GRCh38, chr11:67,632,620, plus strand): 5'-CCTGGGGTGGGGGTGAGGGGCTAGGGTCAGGGTCAGACAGTACCAGGAGTCCAGGTCACT[C>G]TCTCTAAAGCCTTTGGCAAAAGGGTTGCTGGCGATTTTCAGCTGGGTGATCTGCAGGAGA-3'
Protein context (NP_005986.2, residues 242-262): ASNPFAKGFR[Glu252Asp]SDLDSWPVAP

ClinVar aggregate classification (germline): Uncertain significance. Review status: criteria provided, multiple submitters, no conflicts (2 of 4 stars). 2 submissions from 2 submitters: Uncertain significance (2). Last evaluated 2026-01-20.

Conditions:
TBX10-related disorder. Also called: TBX10-related condition.

gnomAD v4.1: 82 of 1,613,934 alleles (0.0051%); highest among the groups gnomAD compares: Non-Finnish European, 0.0069%; no homozygotes.

Submissions (2):

PreventionGenetics, part of Exact Sciences
Classification: Uncertain significance for TBX10-related condition. Last evaluated: 2026-01-20. Review status: criteria provided, single submitter. Criteria: ACMG Guidelines, 2015. Collection method: clinical testing. Allele origin: germline.
Comment: The TBX10 c.756G>C variant is predicted to result in the amino acid substitution p.Glu252Asp. To our knowledge, this variant has not been reported in the literature. This variant is reported in 0.0070% of alleles in individuals of European (Non-Finnish) descent in gnomAD. At this time, the clinical significance of this variant is uncertain due to the absence of conclusive functional and genetic evidence.

Ambry Genetics
Classification: Uncertain significance. Last evaluated: 2025-08-13. Review status: criteria provided, single submitter. Criteria: Ambry Variant Classification Scheme 2023. Collection method: clinical testing. Allele origin: germline.